The following is an entry in ClinVar:

NM_024675.4(PALB2):c.2810G>C (p.Gly937Ala)

Gene: PALB2 (partner and localizer of BRCA2; minus strand). Cytogenetic location: 16p12.2.
Variant type: single nucleotide variant.
Coding change: c.2810G>C on transcript NM_024675.4 (MANE Select); coding-DNA position 2810, G replaced by C.
Protein change: p.Gly937Ala; replaces glycine 937 with alanine.
Molecular consequence: missense variant.
Genome position (GRCh38, 1-based): chr16:23,624,033, C>G on the plus strand (G>C on the coding strand, the complement: PALB2 is on the minus strand). VCF-style: chr16-23624033-C-G. GRCh37 (hg19) VCF-style: chr16-23635354-C-G.
Other names: c.2750G>C, p.Gly917Ala (NM_001407296.1); c.2738G>C, p.Gly913Ala (NM_001407297.1); c.2648G>C, p.Gly883Ala (NM_001407298.1, NM_001407302.1); c.2810G>C, p.Gly937Ala (NM_001407299.1, NM_001407300.1, NM_001407301.1); c.1925G>C, p.Gly642Ala (NM_001407304.1, NM_001407305.1, NM_001407306.1 and 4 more transcripts); c.1763G>C, p.Gly588Ala (NM_001407307.1); c.1022G>C, p.Gly341Ala (NM_001407312.1, NM_001407313.1); c.344G>C, p.Gly115Ala (NM_001407314.1); short protein forms G917A, G937A, G115A, G341A, G588A, G642A, G883A, G913A.
Identifiers: ClinVar variation 1913733 (VCV001913733.7), dbSNP rs786202641, ClinGen allele CA395144916.
Genomic context (GRCh38, chr16:23,624,033, plus strand): 5'-GAAGGAAAAACAAATCACTCCTTGGGAATTACATACCTGATCTCTCTGATTTCCAAATTT[C>G]CCAAAGCTACACACACGAGATTATACACATCAGGCACTGGAACTATCTGTAATACTGGAA-3'
Protein context (NP_078951.2, residues 927-947): DVYNLVCVAL[Gly937Ala]NLEIREIRAL

ClinVar aggregate classification (germline): Uncertain significance. Review status: criteria provided, multiple submitters, no conflicts (2 of 4 stars). 2 submissions from 2 submitters: Uncertain significance (2). Last evaluated 2023-06-25.

Conditions:
Hereditary cancer-predisposing syndrome. Also called: Neoplastic Syndromes, Hereditary; Hereditary Cancer Syndrome; Tumor predisposition; Hereditary neoplastic syndrome. Identifiers: Orphanet 140162, MedGen C0027672, MeSH D009386, MONDO:0015356.
Familial cancer of breast. Also called: BREAST CANCER, FAMILIAL; hereditary breast carcinoma; Hereditary breast cancer. Identifiers: Orphanet 227535, MedGen C0346153, MONDO:0016419, OMIM 114480. Disease mechanism: loss of function.

Submissions (2):

Ambry Genetics
Classification: Uncertain significance for Hereditary cancer-predisposing syndrome. Last evaluated: 2023-06-25. Review status: criteria provided, single submitter. Criteria: Ambry Variant Classification Scheme 2023. Collection method: clinical testing. Allele origin: germline.
Comment: The p.G937A variant (also known as c.2810G>C), located in coding exon 8 of the PALB2 gene, results from a G to C substitution at nucleotide position 2810. The glycine at codon 937 is replaced by alanine, an amino acid with similar properties. This amino acid position is conserved. In addition, this alteration is predicted to be tolerated by in silico analysis. Since supporting evidence is limited at this time, the clinical significance of this alteration remains unclear.

Labcorp Genetics (formerly Invitae), Labcorp
Classification: Uncertain significance for Familial cancer of breast. Last evaluated: 2022-03-13. Review status: criteria provided, single submitter. Criteria: Invitae Variant Classification Sherloc (09022015). Collection method: clinical testing. Allele origin: germline.
Comment: In summary, the available evidence is currently insufficient to determine the role of this variant in disease. Therefore, it has been classified as a Variant of Uncertain Significance. Algorithms developed to predict the effect of missense changes on protein structure and function (SIFT, PolyPhen-2, Align-GVGD) all suggest that this variant is likely to be disruptive. This variant has not been reported in the literature in individuals affected with PALB2-related conditions. This variant is not present in population databases (gnomAD no frequency). This sequence change replaces glycine, which is neutral and non-polar, with alanine, which is neutral and non-polar, at codon 937 of the PALB2 protein (p.Gly937Ala).